The following is an entry in ClinVar:

ClinVar aggregate classification (germline): Likely benign. Review status: criteria provided, single submitter (1 of 4 stars). 2 submissions from 1 submitter: Likely benign (2). Last evaluated 2018-01-13.

Conditions:
Amyotrophic lateral sclerosis type 8 (ALS8). Identifiers: Orphanet 803, MedGen C1837728, MONDO:0012077, OMIM 608627.
Adult-onset proximal spinal muscular atrophy, autosomal dominant. Also called: FINKEL LATE-ADULT TYPE SMA; Spinal muscular atrophy, late-onset, finkel type. Identifiers: Orphanet 209335, MedGen C1854058, MONDO:0008453, OMIM 182980.

Allele frequency attached by ClinVar (database versions not stated): ExAC 0.00037; gnomAD exomes 0.00046 and 0.00061; gnomAD 0.00119 and 0.00121; 1000 Genomes Project 30x 0.00156; 1000 Genomes Project 0.00160; TOPMed 0.00178.
gnomAD v4.1: 335 of 454,170 alleles (0.074%); highest among the groups gnomAD compares: Middle Eastern, 0.42%; no homozygotes.

Submissions (2):

Illumina Laboratory Services, Illumina
Classification: Likely benign for Adult-onset proximal spinal muscular atrophy, autosomal dominant. Last evaluated: 2018-01-13. Review status: criteria provided, single submitter. Criteria: ICSL Variant Classification Criteria 13 December 2019. Collection method: clinical testing. Allele origin: germline.
Comment: This variant was observed in the ICSL laboratory as part of a predisposition screen in an ostensibly healthy population. It had not been previously curated by ICSL or reported in the Human Gene Mutation Database (HGMD: prior to June 1st, 2018), and was therefore a candidate for classification through an automated scoring system. Utilizing variant allele frequency, disease prevalence and penetrance estimates, and inheritance mode, an automated score was calculated to assess if this variant is too frequent to cause the disease. Based on the score and internal cut-off values, a variant classified as likely benign is not then subjected to further curation. The score for this variant resulted in a classification of likely benign for this disease.

Illumina Laboratory Services, Illumina
Classification: Likely benign for Amyotrophic lateral sclerosis type 8. Last evaluated: 2018-01-13. Review status: criteria provided, single submitter. Criteria: ICSL Variant Classification Criteria 13 December 2019. Collection method: clinical testing. Allele origin: germline.
Comment: the same text as in the submission from Illumina Laboratory Services, Illumina above.

NM_004738.5(VAPB):c.*6578T>G

Gene: VAPB (VAMP associated protein B and C; plus strand). Cytogenetic location: 20q13.32.
Variant type: single nucleotide variant.
Coding change: c.*6578T>G on transcript NM_004738.5 (MANE Select); 6578 bases downstream of the stop codon, T replaced by G.
Molecular consequence: 3 prime UTR variant. On other transcripts: non-coding transcript variant (1).
Genome position (GRCh38, 1-based): chr20:58,450,813, T>G. VCF-style: chr20-58450813-T-G. GRCh37 (hg19) VCF-style: chr20-57025869-T-G.
Other names: c.*6648T>G (NM_001195677.2).
Identifiers: ClinVar variation 339024 (VCV000339024.6), dbSNP rs115932469, ClinGen allele CA9924687.
Genomic context (GRCh38, chr20:58,450,813, plus strand): 5'-ATGTCTTAGAATGCTTTAGTTTTCATAATTTGTCCTTTATGTATTTTTCATTGTATTTGC[T>G]GTTTTGACATGGAAGTAATTTAAAAAGTTGGTGCAGGAAAGGACTCTTTACTGTTGCACA-3'